The following is an entry in ClinVar:

ClinVar aggregate classification (germline): Likely benign (1 of 4 stars; one submission).

Submission:

CeGaT Center for Human Genetics Tuebingen
Classification: Likely benign. Last evaluated: 2025-09-01. Review status: criteria provided, single submitter. Criteria: CeGaT Center For Human Genetics Tuebingen Variant Classification Criteria Version 2. Collection method: clinical testing. Allele origin: germline. Affected: yes. Observed: 1 variant allele.
Comment: KRTAP4-9: BP4, BP7

NM_001146041.1(KRTAP4-9):c.102C>T (p.Cys34=)

Gene: KRTAP4-9 (keratin associated protein 4-9; plus strand). Cytogenetic location: 17q21.2.
Variant type: single nucleotide variant.
Coding change: c.102C>T on transcript NM_001146041.1 (MANE Select); coding-DNA position 102, C replaced by T.
Protein change: p.Cys34=; no amino-acid change (cysteine 34 retained).
Molecular consequence: synonymous variant.
Genome position (GRCh38, 1-based): chr17:41,105,490, C>T. VCF-style: chr17-41105490-C-T. GRCh37 (hg19) VCF-style: chr17-39261742-C-T.
Identifiers: ClinVar variation 4083675 (VCV004083675.8).